The following is an entry in ClinVar:

NM_000894.3(LHB):c.52G>A (p.Ala18Thr)

Gene: LHB (luteinizing hormone subunit beta; minus strand). Cytogenetic location: 19q13.33.
Variant type: single nucleotide variant.
Coding change: c.52G>A on transcript NM_000894.3 (MANE Select); coding-DNA position 52, G replaced by A.
Protein change: p.Ala18Thr; replaces alanine 18 with threonine.
Molecular consequence: missense variant.
Genome position (GRCh38, 1-based): chr19:49,016,678, C>T on the plus strand (G>A on the coding strand, the complement: LHB is on the minus strand). VCF-style: chr19-49016678-C-T. GRCh37 (hg19) VCF-style: chr19-49519935-C-T.
Other names: short protein forms A18T.
Identifiers: ClinVar variation 1224995 (VCV001224995.12), dbSNP rs5030775, ClinGen allele CA9564416.

ClinVar aggregate classification (germline): Benign/Likely benign. Review status: criteria provided, multiple submitters, no conflicts (2 of 4 stars). 5 submissions from 5 submitters: Benign (3); Likely benign (1). 1 of the submissions does not count toward it. Last evaluated 2025-12-14.

Conditions:
LHB-related disorder. Also called: LHB-related condition.

Allele frequency attached by ClinVar (database versions not stated): gnomAD exomes 0.00063 and 0.00162; ExAC 0.00229; gnomAD 0.00568 and 0.00612; 1000 Genomes Project 30x 0.00703; ESP Exome Variant Server 0.00715; 1000 Genomes Project 0.00779.
gnomAD v4.1: 1,812 of 1,611,654 alleles (0.11%); highest among the groups gnomAD compares: African/African-American, 2%; 14 homozygotes.

Submissions (5):

Labcorp Genetics (formerly Invitae), Labcorp
Classification: Benign. Last evaluated: 2025-12-14. Review status: criteria provided, single submitter. Criteria: Invitae Variant Classification Sherloc (09022015). Collection method: clinical testing. Allele origin: germline.

Blueprint Genetics
Classification: Likely benign. Last evaluated: 2024-11-06. Review status: criteria provided, single submitter. Criteria: ACMG Guidelines, 2015. Collection method: clinical testing. Allele origin: germline.

GeneDx
Classification: Benign. Last evaluated: 2020-07-13. Review status: criteria provided, single submitter. Criteria: GeneDx Variant Classification Process June 2021. Collection method: clinical testing. Allele origin: germline. Affected: yes.
Comment: This variant is associated with the following publications: (PMID: 11870227)

Breakthrough Genomics
Classification: Benign. Review status: criteria provided, single submitter. Criteria: ACMG Guidelines, 2015. Collection method: not provided. Allele origin: germline. Inheritance: Autosomal recessive inheritance. Affected: yes.

PreventionGenetics, part of Exact Sciences
Classification: Benign for LHB-related condition. Last evaluated: 2019-10-31. Review status: no assertion criteria provided. Collection method: clinical testing. Allele origin: germline. Not counted in ClinVar's aggregate classification.
Comment: This variant is classified as benign based on ACMG/AMP sequence variant interpretation guidelines (Richards et al. 2015 PMID: 25741868, with internal and published modifications).